The following is an entry in ClinVar:

NM_183357.3(ADCY5):c.2720C>G (p.Pro907Arg)

Gene: ADCY5 (adenylate cyclase 5; minus strand). Cytogenetic location: 3q21.1.
Variant type: single nucleotide variant.
Coding change: c.2720C>G on transcript NM_183357.3 (MANE Select); coding-DNA position 2720, C replaced by G.
Protein change: p.Pro907Arg; replaces proline 907 with arginine.
Molecular consequence: missense variant.
Genome position (GRCh38, 1-based): chr3:123,303,059, G>C on the plus strand (C>G on the coding strand, the complement: ADCY5 is on the minus strand). VCF-style: chr3-123303059-G-C. GRCh37 (hg19) VCF-style: chr3-123021906-G-C.
Other names: c.1670C>G, p.Pro557Arg (NM_001199642.1); c.2720C>G, p.Pro907Arg (NM_001378259.1); short protein forms P907R, P557R.
Identifiers: ClinVar variation 5008057 (VCV005008057.1).

ClinVar aggregate classification (germline): Uncertain significance (1 of 4 stars; one submission).

Submission:

GeneDx
Classification: Uncertain significance. Last evaluated: 2026-03-04. Review status: criteria provided, single submitter. Criteria: GeneDx Variant Classification Process June 2021. Collection method: clinical testing. Allele origin: germline.
Comment: Not observed at significant frequency in large population cohorts (gnomAD); In silico analysis supports that this missense variant has a deleterious effect on protein structure/function; Has not been previously published as pathogenic or benign to our knowledge